The following is an entry in ClinVar:

ClinVar aggregate classification (germline): Uncertain significance (1 of 4 stars; one submission).

Conditions:
Hereditary cancer-predisposing syndrome. Also called: Tumor predisposition; Hereditary neoplastic syndrome; Hereditary Cancer Syndrome; Neoplastic Syndromes, Hereditary. Identifiers: Orphanet 140162, MedGen C0027672, MeSH D009386, MONDO:0015356.

Allele frequency attached by ClinVar (database versions not stated): gnomAD exomes below 0.00001.

Submission:

Color Diagnostics, LLC DBA Color Health
Classification: Uncertain significance for Hereditary cancer-predisposing syndrome. Last evaluated: 2024-03-06. Review status: criteria provided, single submitter. Criteria: ACMG Guidelines, 2015. Collection method: clinical testing. Allele origin: germline.
Comment: This missense variant replaces methionine with leucine at codon 1308 of the ATM protein. Computational prediction suggests that this variant may not impact protein structure and function (internally defined REVEL score threshold <= 0.5, PMID: 27666373). To our knowledge, functional studies have not been reported for this variant. This variant has not been reported in individuals affected with hereditary cancer in the literature. This variant has not been identified in the general population by the Genome Aggregation Database (gnomAD). The available evidence is insufficient to determine the role of this variant in disease conclusively. Therefore, this variant is classified as a Variant of Uncertain Significance.

NM_000051.4(ATM):c.3922A>T (p.Met1308Leu)

Gene: ATM (ATM serine/threonine kinase; plus strand). Cytogenetic location: 11q22.3.
Variant type: single nucleotide variant.
Coding change: c.3922A>T on transcript NM_000051.4 (MANE Select); coding-DNA position 3922, A replaced by T.
Protein change: p.Met1308Leu; replaces methionine 1308 with leucine.
Molecular consequence: missense variant.
Genome position (GRCh38, 1-based): chr11:108,284,402, A>T. VCF-style: chr11-108284402-A-T. GRCh37 (hg19) VCF-style: chr11-108155129-A-T.
Other names: c.3922A>T, p.Met1308Leu (NM_001351834.2); short protein forms M1308L.
Identifiers: ClinVar variation 1172398 (VCV001172398.3), dbSNP rs2135708488, ClinGen allele CA382525803.